The following is an entry in ClinVar:

NM_022114.4(PRDM16):c.1541T>C (p.Phe514Ser)

Gene: PRDM16 (PR/SET domain 16; plus strand). Cytogenetic location: 1p36.32.
Variant type: single nucleotide variant.
Coding change: c.1541T>C on transcript NM_022114.4 (MANE Select); coding-DNA position 1541, T replaced by C.
Protein change: p.Phe514Ser; replaces phenylalanine 514 with serine.
Molecular consequence: missense variant.
Genome position (GRCh38, 1-based): chr1:3,411,738, T>C. VCF-style: chr1-3411738-T-C. GRCh37 (hg19) VCF-style: chr1-3328302-T-C.
Other names: c.1541T>C, p.Phe514Ser (NM_199454.3); short protein forms F514S.
Identifiers: ClinVar variation 2897722 (VCV002897722.3), dbSNP rs983906742, ClinGen allele CA16966398.

ClinVar aggregate classification (germline): Uncertain significance (1 of 4 stars; one submission).

Conditions:
Left ventricular noncompaction 8 (LVNC8). Identifiers: Orphanet 154, Orphanet 54260, MedGen C3809288, MONDO:0014152, OMIM 615373.

Allele frequency attached by ClinVar (database versions not stated): gnomAD exomes 0.00002.
gnomAD v4.1: 26 of 1,611,756 alleles (0.0016%); highest among the groups gnomAD compares: Non-Finnish European, 0.0021%; no homozygotes.

Submission:

Labcorp Genetics (formerly Invitae), Labcorp
Classification: Uncertain significance for Left ventricular noncompaction 8. Last evaluated: 2023-06-20. Review status: criteria provided, single submitter. Criteria: Invitae Variant Classification Sherloc (09022015). Collection method: clinical testing. Allele origin: germline.
Comment: In summary, the available evidence is currently insufficient to determine the role of this variant in disease. Therefore, it has been classified as a Variant of Uncertain Significance. This sequence change replaces phenylalanine, which is neutral and non-polar, with serine, which is neutral and polar, at codon 514 of the PRDM16 protein (p.Phe514Ser). This variant is not present in population databases (gnomAD no frequency). This variant has not been reported in the literature in individuals affected with PRDM16-related conditions. An algorithm developed to predict the effect of missense changes on protein structure and function (PolyPhen-2) suggests that this variant is likely to be disruptive.